The following is an entry in ClinVar:

NM_018082.6(POLR3B):c.3272+5G>C

Genes: POLR3B (RNA polymerase III subunit B; plus strand), LOC100287944 (uncharacterized LOC100287944; minus strand). Cytogenetic location: 12q23.3.
Variant type: single nucleotide variant.
Coding change: c.3272+5G>C on transcript NM_018082.6 (MANE Select); 5 bases into the intron after coding-DNA position 3272, G replaced by C.
Molecular consequence: intron variant.
Genome position (GRCh38, 1-based): chr12:106,504,259, G>C. VCF-style: chr12-106504259-G-C. GRCh37 (hg19) VCF-style: chr12-106898037-G-C.
Other names: c.3098+5G>C (NM_001160708.2).
Identifiers: ClinVar variation 3381698 (VCV003381698.1).
Genomic context (GRCh38, chr12:106,504,259, plus strand): 5'-GATGCCTTTGAGGTTGATGTCTGTGGGCAGTGTGGACTTCTGGGGTATTCTGGCTGGTAA[G>C]TGGATACCATATGTCTCCCATACCACACCCCTTGCCTCTTAAATCACAGCTCAAGAATTG-3'

ClinVar aggregate classification (germline): Uncertain significance (1 of 4 stars; one submission).

Submission:

GeneDx
Classification: Uncertain significance. Last evaluated: 2024-05-21. Review status: criteria provided, single submitter. Criteria: GeneDx Variant Classification Process June 2021. Collection method: clinical testing. Allele origin: germline. Affected: yes.
Comment: Not observed at significant frequency in large population cohorts (gnomAD); Intronic +5 splice site variant in a gene for which loss of function is a known mechanism of disease, and both splice predictors and evolutionary conservation support a deleterious effect, although in the absence of functional evidence the actual effect of this sequence change is unknown.; Has not been previously published as pathogenic or benign to our knowledge